The following is an entry in ClinVar:

ClinVar aggregate classification (germline): Likely pathogenic (1 of 4 stars; one submission).

Conditions:
Hereditary cancer-predisposing syndrome. Also called: Neoplastic Syndromes, Hereditary; Tumor predisposition; Hereditary Cancer Syndrome; Hereditary neoplastic syndrome. Identifiers: Orphanet 140162, MedGen C0027672, MeSH D009386, MONDO:0015356.

Submission:

Ambry Genetics
Classification: Likely pathogenic for Hereditary cancer-predisposing syndrome. Last evaluated: 2017-02-02. Review status: criteria provided, single submitter. Criteria: Ambry Variant Classification Scheme 2023. Collection method: clinical testing. Allele origin: germline.
Comment: The c.1868-2A>C intronic variant results from an A to C substitution two nucleotides upstream from coding exon 16 in the MRE11A gene. This nucleotide position is highly conserved in available vertebrate species. Using the BDGP and ESEfinder splice site prediction tools, this alteration is predicted to abolish the native splice acceptor site; however, direct evidence is unavailable. Alterations that disrupt the canonical splice site are expected to cause aberrant splicing, resulting in an abnormal protein or a transcript that is subject to nonsense-mediated mRNA decay. As such, this alteration is classified as likely pathogenic.

NM_005591.4(MRE11):c.1868-2A>C

Gene: MRE11 (MRE11 double strand break repair nuclease; minus strand). Cytogenetic location: 11q21.
Variant type: single nucleotide variant.
Coding change: c.1868-2A>C on transcript NM_005591.4 (MANE Select); the canonical splice acceptor site of the intron before coding-DNA position 1868, A replaced by C.
Molecular consequence: splice acceptor variant.
Genome position (GRCh38, 1-based): chr11:94,437,237, T>G on the plus strand (A>C on the coding strand, the complement: MRE11 is on the minus strand). VCF-style: chr11-94437237-T-G. GRCh37 (hg19) VCF-style: chr11-94170403-T-G.
Other names: c.1865-2A>C (NM_001330347.2); c.1784-2A>C (NM_005590.4).
Identifiers: ClinVar variation 481779 (VCV000481779.5), dbSNP rs1555002450, ClinGen allele CA382374976.